The following is an entry in ClinVar:

ClinVar aggregate classification (germline): Uncertain significance (1 of 4 stars; one submission).

Conditions:
Developmental and epileptic encephalopathy, 9 (DEE9). Also called: Early infantile epileptic encephalopathy 9; PCDH19-Related X-Linked Female-Limited Epilepsy with Mental Retardation; EPILEPSY, FEMALE-RESTRICTED, WITH MENTAL RETARDATION; JUBERG-HELLMAN SYNDROME. Identifiers: Orphanet 101039, Orphanet 2076, MedGen C1848137, MONDO:0010246, OMIM 300088. Disease mechanism: loss of function.

Submission:

Labcorp Genetics (formerly Invitae), Labcorp
Classification: Uncertain significance for Early infantile epileptic encephalopathy 9. Last evaluated: 2019-10-30. Review status: criteria provided, single submitter. Criteria: Invitae Variant Classification Sherloc (09022015). Collection method: clinical testing. Allele origin: germline.
Comment: This sequence change replaces threonine with lysine at codon 146 of the PCDH19 protein (p.Thr146Lys). The threonine residue is highly conserved and there is a moderate physicochemical difference between threonine and lysine. This variant is not present in population databases (ExAC no frequency). This variant has not been reported in the literature in individuals with PCDH19-related conditions. Algorithms developed to predict the effect of missense changes on protein structure and function are either unavailable or do not agree on the potential impact of this missense change (SIFT: "Deleterious"; PolyPhen-2: "Probably Damaging"; Align-GVGD: "Class C0"). In summary, the available evidence is currently insufficient to determine the role of this variant in disease. Therefore, it has been classified as a Variant of Uncertain Significance.

NM_001184880.2(PCDH19):c.437C>A (p.Thr146Lys)

Gene: PCDH19 (protocadherin 19; minus strand). Cytogenetic location: Xq22.1.
Variant type: single nucleotide variant.
Coding change: c.437C>A on transcript NM_001184880.2 (MANE Select); coding-DNA position 437, C replaced by A.
Protein change: p.Thr146Lys; replaces threonine 146 with lysine.
Molecular consequence: missense variant.
Genome position (GRCh38, 1-based): chrX:100,408,161, G>T on the plus strand (C>A on the coding strand, the complement: PCDH19 is on the minus strand). VCF-style: chrX-100408161-G-T. GRCh37 (hg19) VCF-style: chrX-99663159-G-T.
Other names: c.437C>A, p.Thr146Lys (NM_001105243.2, NM_020766.3); short protein forms T146K.
Identifiers: ClinVar variation 941388 (VCV000941388.1), dbSNP rs796052799, ClinGen allele CA414009704.